The following is an entry in ClinVar:

NM_182961.4(SYNE1):c.10117C>G (p.Leu3373Val)

Gene: SYNE1 (spectrin repeat containing nuclear envelope protein 1; minus strand). Cytogenetic location: 6q25.2.
Variant type: single nucleotide variant.
Coding change: c.10117C>G on transcript NM_182961.4 (MANE Select); coding-DNA position 10117, C replaced by G.
Protein change: p.Leu3373Val; replaces leucine 3373 with valine.
Molecular consequence: missense variant.
Genome position (GRCh38, 1-based): chr6:152,364,875, G>C on the plus strand (C>G on the coding strand, the complement: SYNE1 is on the minus strand). VCF-style: chr6-152364875-G-C. GRCh37 (hg19) VCF-style: chr6-152686010-G-C.
Other names: c.10138C>G (NM_033071.3); c.10138C>G, p.Leu3380Val (NM_033071.5); short protein forms L3373V, L3380V.
Identifiers: ClinVar variation 500735 (VCV000500735.8), dbSNP rs1022927290, ClinGen allele CA150213244.

ClinVar aggregate classification (germline): Uncertain significance. Review status: criteria provided, multiple submitters, no conflicts (2 of 4 stars). 3 submissions from 3 submitters: Uncertain significance (3). Last evaluated 2024-11-19.

Allele frequency attached by ClinVar (database versions not stated): gnomAD exomes below 0.00001; gnomAD 0.00001; TOPMed 0.00001.
gnomAD v4.1: 8 of 1,614,020 alleles (0.0005%); highest among the groups gnomAD compares: African/African-American, 0.0027%; no homozygotes.

Submissions (3):

GeneDx
Classification: Uncertain significance. Last evaluated: 2024-11-19. Review status: criteria provided, single submitter. Criteria: GeneDx Variant Classification Process June 2021. Collection method: clinical testing. Allele origin: germline. Affected: yes.
Comment: Not observed at significant frequency in large population cohorts (gnomAD); In silico analysis indicates that this missense variant does not alter protein structure/function; Has not been previously published as pathogenic or benign to our knowledge

Revvity Omics, Revvity
Classification: Uncertain significance. Last evaluated: 2023-05-29. Review status: criteria provided, single submitter. Criteria: ACMG Guidelines, 2015. Collection method: clinical testing. Allele origin: germline.

Eurofins Ntd Llc (ga)
Classification: Uncertain significance. Last evaluated: 2017-03-08. Review status: criteria provided, single submitter. Criteria: EGL Classification Definitions 2015. Collection method: clinical testing. Allele origin: germline. Observed: 1 variant allele, 1 heterozygote.